The following is an entry in ClinVar:

ClinVar aggregate classification (germline): Pathogenic. Review status: criteria provided, single submitter (1 of 4 stars). 2 submissions from 2 submitters: Pathogenic (1). 1 of the submissions does not count toward it. Last evaluated 2022-08-28.

Conditions:
Peroxisome biogenesis disorder 6A (Zellweger). Also called: Peroxisome biogenesis disorder 6A. Identifiers: Orphanet 912, MedGen C3553947, MONDO:0013936, OMIM 614870.
Peroxisome biogenesis disorder 6B (PBD6B). Identifiers: Orphanet 44, MedGen C3553948, MONDO:0013937, OMIM 614871.
Peroxisome biogenesis disorder, complementation group 7 (CG7). Also called: Peroxisome biogenesis disorder, complementation group B. Identifiers: MedGen C1864399.

Submissions (2):

Labcorp Genetics (formerly Invitae), Labcorp
Classification: Pathogenic for Peroxisome biogenesis disorder, complementation group 7. Last evaluated: 2022-08-28. Review status: criteria provided, single submitter. Criteria: Invitae Variant Classification Sherloc (09022015). Collection method: clinical testing. Allele origin: germline.
Comment: ClinVar contains an entry for this variant (Variation ID: 553074). For these reasons, this variant has been classified as Pathogenic. This variant results in an extension of the PEX10 protein. Other variant(s) that result in a similarly extended protein product (p.Leu292Valfs*66) have been determined to be pathogenic (PMID: 9700193, 10862081, 12794690, 17041890, 19142205, 21031596). This suggests that these extensions are likely to be disease-causing. This variant has not been reported in the literature in individuals affected with PEX10-related conditions. This variant is not present in population databases (gnomAD no frequency). This sequence change results in a frameshift in the PEX10 gene (p.Arg285Serfs*73). While this is not anticipated to result in nonsense mediated decay, it is expected to disrupt the last 62 amino acid(s) of the PEX10 protein and extend the protein by 10 additional amino acid residues.

Counsyl
Classification: Likely pathogenic for Peroxisome biogenesis disorder 6A (Zellweger); Peroxisome biogenesis disorder 6B. Last evaluated: 2017-07-27. Review status: no assertion criteria provided. Collection method: clinical testing. Allele origin: unknown. Not counted in ClinVar's aggregate classification.

Literature cited by the submitters: PubMed 9700193 (cited by Labcorp Genetics (formerly Invitae), Labcorp); PubMed 10862081 (cited by Labcorp Genetics (formerly Invitae), Labcorp and Counsyl); PubMed 12794690 (cited by Labcorp Genetics (formerly Invitae), Labcorp); PubMed 17041890 (cited by Labcorp Genetics (formerly Invitae), Labcorp); PubMed 19142205 (cited by Labcorp Genetics (formerly Invitae), Labcorp); PubMed 21031596 (cited by Labcorp Genetics (formerly Invitae), Labcorp).

NM_002617.4(PEX10):c.795_796del (p.Arg265fs)

Gene: PEX10 (peroxisomal biogenesis factor 10; minus strand). Cytogenetic location: 1p36.32.
Variant type: Microsatellite.
Coding change: c.795_796del on transcript NM_002617.4 (MANE Select); coding-DNA positions 795 to 796, 2 bases deleted (AG; older notation c.795_796delAG).
Protein change: p.Arg265fs; shifts the reading frame from arginine 265.
Molecular consequence: frameshift variant. On other transcripts: non-coding transcript variant (1).
Genome position (GRCh38, 1-based): chr1:2,406,600-2,406,601, CT deleted on the plus strand (AG on the coding strand, the reverse complement: PEX10 is on the minus strand); deleting any 2 consecutive bases within chr1:2,406,600-2,406,606 gives the same sequence; the c. name uses the placement nearest the transcript's 3' end. VCF-style (leftmost placement, unchanged base first): chr1-2406599-GCT-G. GRCh37 (hg19) VCF-style: chr1-2338038-GCT-G.
Other names: c.852_853del, p.Arg284fs (NM_001374425.1); c.420_421del, p.Arg140fs (NM_001374426.1); c.363_364del, p.Arg121fs (NM_001374427.1); c.855_856del, p.Arg285fs (NM_153818.2); c.855_856delAG (NM_153818.1); short protein forms R265fs, R285fs, R121fs, R140fs, R284fs.
Identifiers: ClinVar variation 553074 (VCV000553074.7), dbSNP rs1553231787, ClinGen allele CA658820966.